The following is an entry in ClinVar:

NM_033409.4(SLC52A3):c.645C>T (p.Pro215=)

Gene: SLC52A3 (solute carrier family 52 member 3; minus strand). Cytogenetic location: 20p13.
Variant type: single nucleotide variant.
Coding change: c.645C>T on transcript NM_033409.4 (MANE Select); coding-DNA position 645, C replaced by T.
Protein change: p.Pro215=; no amino-acid change (proline 215 retained).
Molecular consequence: synonymous variant.
Genome position (GRCh38, 1-based): chr20:763,926, G>A on the plus strand (C>T on the coding strand, the complement: SLC52A3 is on the minus strand). VCF-style: chr20-763926-G-A. GRCh37 (hg19) VCF-style: chr20-744570-G-A.
Other names: p.Pro215=; c.645C>T, p.Pro215= (NM_001370085.1, NM_001370086.1).
Identifiers: ClinVar variation 262237 (VCV000262237.16), dbSNP rs6054605, ClinGen allele CA9724711.

ClinVar aggregate classification (germline): Benign. Review status: criteria provided, multiple submitters, no conflicts (2 of 4 stars). 6 submissions from 6 submitters: Benign (6). Last evaluated 2026-02-04.

Conditions:
Brown-Vialetto-van Laere syndrome 1. Also called: BULBAR PALSY, PROGRESSIVE, WITH SENSORINEURAL DEAFNESS; PONTOBULBAR PALSY WITH DEAFNESS; BROWN-VIALETTO-VAN LAERE SYNDROME 1, MILD. Identifiers: Orphanet 572550, Orphanet 97229, MedGen C0796274, MONDO:0024537, OMIM 211530.

Allele frequency attached by ClinVar (database versions not stated): ESP Exome Variant Server 0.04890; TOPMed 0.07294; 1000 Genomes Project 0.13818; gnomAD 0.06184 and 0.06661; gnomAD exomes 0.08537 and 0.06281; ExAC 0.08767; 1000 Genomes Project 30x 0.12929.
gnomAD v4.1: 103,311 of 1,613,664 alleles (6.4%); highest among the groups gnomAD compares: East Asian, 40%; 6,511 homozygotes.

Submissions (6):

Labcorp Genetics (formerly Invitae), Labcorp
Classification: Benign for Brown-Vialetto-van Laere syndrome 1. Last evaluated: 2026-02-04. Review status: criteria provided, single submitter. Criteria: Invitae Variant Classification Sherloc (09022015). Collection method: clinical testing. Allele origin: germline.

Mayo Clinic Laboratories, Mayo Clinic
Classification: Benign. Last evaluated: 2022-03-23. Review status: criteria provided, single submitter. Criteria: ACMG Guidelines, 2015. Collection method: clinical testing. Allele origin: germline. Observed: 187 variant alleles.

GeneDx
Classification: Benign. Last evaluated: 2018-06-13. Review status: criteria provided, single submitter. Criteria: GeneDx Variant Classification (06012015). Collection method: clinical testing. Allele origin: germline. Affected: yes.
Comment: This variant is considered likely benign or benign based on one or more of the following criteria: it is a conservative change, it occurs at a poorly conserved position in the protein, it is predicted to be benign by multiple in silico algorithms, and/or has population frequency not consistent with disease.

Laboratory for Molecular Medicine, Mass General Brigham Personalized Medicine
Classification: Benign. Last evaluated: 2017-08-23. Review status: criteria provided, single submitter. Criteria: LMM Criteria. Collection method: clinical testing. Allele origin: germline. Observed: 26 variant alleles.
Comment: p.Pro215Pro in exon 3 of SLC52A3: This variant is not expected to have clinical significance because it does not alter an amino acid residue, is not located wit hin the splice consensus sequence, and has been identified in 46.21% (3846/8322) of East Asian chromosomes by the Exome Aggregation Consortium (ExAC; dbSNP rs6054605).

Breakthrough Genomics
Classification: Benign. Review status: criteria provided, single submitter. Criteria: ACMG Guidelines, 2015. Collection method: not provided. Allele origin: germline. Inheritance: Autosomal recessive inheritance. Affected: yes.

PreventionGenetics, part of Exact Sciences
Classification: Benign. Review status: criteria provided, single submitter. Criteria: ACMG Guidelines, 2015. Collection method: clinical testing. Allele origin: germline.